The following is an entry in ClinVar:

NM_001849.4(COL6A2):c.425C>G (p.Thr142Arg)

Gene: COL6A2 (collagen type VI alpha 2 chain; plus strand). Cytogenetic location: 21q22.3.
Variant type: single nucleotide variant.
Coding change: c.425C>G on transcript NM_001849.4 (MANE Select); coding-DNA position 425, C replaced by G.
Protein change: p.Thr142Arg; replaces threonine 142 with arginine.
Molecular consequence: missense variant.
Genome position (GRCh38, 1-based): chr21:46,112,288, C>G. VCF-style: chr21-46112288-C-G. GRCh37 (hg19) VCF-style: chr21-47532202-C-G.
Other names: c.425C>G, p.Thr142Arg (NM_058174.3, NM_058175.3); short protein forms T142R.
Identifiers: ClinVar variation 3009926 (VCV003009926.3), dbSNP rs866311790, ClinGen allele CA410521509.

ClinVar aggregate classification (germline): Uncertain significance (1 of 4 stars; one submission).

Conditions:
Bethlem myopathy 1A. Also called: MYOPATHY, BENIGN CONGENITAL, WITH CONTRACTURES; Bethlem myopathy 1; Bethlem Muscular Dystrophy. Identifiers: Orphanet 610, MedGen CN029274, MONDO:0024530, OMIM 158810.

gnomAD v4.1: 1 of 1,612,478 alleles (0.000062%); highest among the groups gnomAD compares: African/African-American, 0.0013%; no homozygotes.

Submission:

Labcorp Genetics (formerly Invitae), Labcorp
Classification: Uncertain significance for Bethlem myopathy 1A. Last evaluated: 2023-09-09. Review status: criteria provided, single submitter. Criteria: Invitae Variant Classification Sherloc (09022015). Collection method: clinical testing. Allele origin: germline.
Comment: In summary, the available evidence is currently insufficient to determine the role of this variant in disease. Therefore, it has been classified as a Variant of Uncertain Significance. Advanced modeling of protein sequence and biophysical properties (such as structural, functional, and spatial information, amino acid conservation, physicochemical variation, residue mobility, and thermodynamic stability) performed at Invitae indicates that this missense variant is not expected to disrupt COL6A2 protein function. This variant has not been reported in the literature in individuals affected with COL6A2-related conditions. This variant is not present in population databases (gnomAD no frequency). This sequence change replaces threonine, which is neutral and polar, with arginine, which is basic and polar, at codon 142 of the COL6A2 protein (p.Thr142Arg).